The following is an entry in ClinVar:

NM_001164463.1(RGPD8):c.3096C>T (p.Ser1032=)

Gene: RGPD8 (RANBP2 like and GRIP domain containing 8; minus strand). Cytogenetic location: 2q14.1.
Variant type: single nucleotide variant.
Coding change: c.3096C>T on transcript NM_001164463.1 (MANE Select); coding-DNA position 3096, C replaced by T.
Protein change: p.Ser1032=; no amino-acid change (serine 1032 retained).
Molecular consequence: synonymous variant.
Genome position (GRCh38, 1-based): chr2:112,389,849, G>A on the plus strand (C>T on the coding strand, the complement: RGPD8 is on the minus strand). VCF-style: chr2-112389849-G-A. GRCh37 (hg19) VCF-style: chr2-113147426-G-A.
Identifiers: ClinVar variation 2651278 (VCV002651278.24), dbSNP rs200082778, ClinGen allele CA1834128.

ClinVar aggregate classification (germline): Likely benign (1 of 4 stars; one submission).

Allele frequency attached by ClinVar (database versions not stated): gnomAD 0.00025.

Submission:

CeGaT Center for Human Genetics Tuebingen
Classification: Likely benign. Last evaluated: 2023-01-01. Review status: criteria provided, single submitter. Criteria: CeGaT Center For Human Genetics Tuebingen Variant Classification Criteria Version 2. Collection method: clinical testing. Allele origin: germline. Affected: yes. Observed: 1 variant allele.
Comment: RGPD8: BP4, BP7